The following is an entry in ClinVar:

ClinVar aggregate classification (germline): Uncertain significance (1 of 4 stars; one submission).

Allele frequency attached by ClinVar (database versions not stated): TOPMed below 0.00001.
gnomAD v4.1: 4 of 1,613,970 alleles (0.00025%); highest among the groups gnomAD compares: South Asian, 0.0022%; no homozygotes.

Submission:

GeneDx
Classification: Uncertain significance. Last evaluated: 2021-06-23. Review status: criteria provided, single submitter. Criteria: GeneDx Variant Classification Process June 2021. Collection method: clinical testing. Allele origin: germline. Affected: yes.
Comment: Not observed at significant frequency in large population cohorts (Lek et al., 2016); In silico analysis supports that this missense variant has a deleterious effect on protein structure/function; This variant is associated with the following publications: (PMID: 24793961, 27535533)

NM_000256.3(MYBPC3):c.2503C>A (p.Arg835Ser)

Gene: MYBPC3 (myosin binding protein C3; minus strand). Cytogenetic location: 11p11.2.
Variant type: single nucleotide variant.
Coding change: c.2503C>A on transcript NM_000256.3 (MANE Select); coding-DNA position 2503, C replaced by A.
Protein change: p.Arg835Ser; replaces arginine 835 with serine.
Molecular consequence: missense variant.
Genome position (GRCh38, 1-based): chr11:47,337,490, G>T on the plus strand (C>A on the coding strand, the complement: MYBPC3 is on the minus strand). VCF-style: chr11-47337490-G-T. GRCh37 (hg19) VCF-style: chr11-47359041-G-T.
Other names: short protein forms R835S.
Identifiers: ClinVar variation 1303490 (VCV001303490.2), dbSNP rs765356720, ClinGen allele CA078761.
Genomic context (GRCh38, chr11:47,337,490, plus strand): 5'-ACATGCCGATGGCGTTGACCGCGTAGACGCGCATCTCGTACACCACGCCCTCGATCATGC[G>T]CCGCGCTTCATGACTCAGCTCCTGAATCAGGTCGAAGTTCAGCCGCATCCACCGGTAGCT-3'
Protein context (NP_000247.2, residues 825-845): LIQELSHEAR[Arg835Ser]MIEGVVYEMR